The following is an entry in ClinVar:

NM_022367.4(SEMA4A):c.1094C>T (p.Thr365Ile)

Gene: SEMA4A (semaphorin 4A; plus strand). Cytogenetic location: 1q22.
Variant type: single nucleotide variant.
Coding change: c.1094C>T on transcript NM_022367.4 (MANE Select); coding-DNA position 1094, C replaced by T.
Protein change: p.Thr365Ile; replaces threonine 365 with isoleucine.
Molecular consequence: missense variant.
Genome position (GRCh38, 1-based): chr1:156,163,054, C>T. VCF-style: chr1-156163054-C-T. GRCh37 (hg19) VCF-style: chr1-156132845-C-T.
Other names: c.1094C>T, p.Thr365Ile (NM_001193300.2, NM_001193301.2, NM_001370567.1); c.698C>T, p.Thr233Ile (NM_001193302.2); c.797C>T, p.Thr266Ile (NM_001370568.1); c.587C>T, p.Thr196Ile (NM_001370569.1, NM_001370571.1); short protein forms T365I, T266I, T196I, T233I.
Identifiers: ClinVar variation 292850 (VCV000292850.13), dbSNP rs768826705, ClinGen allele CA10608344.

ClinVar aggregate classification (germline): Uncertain significance. Review status: criteria provided, multiple submitters, no conflicts (2 of 4 stars). 4 submissions from 3 submitters: Uncertain significance (4). Last evaluated 2024-05-07.

Conditions:
Retinitis pigmentosa 35 (RP35). Identifiers: Orphanet 791, MedGen C1853214, MONDO:0012463, OMIM 610282.
Cone-rod dystrophy 10 (CORD10). Identifiers: Orphanet 1872, MedGen C1846529, MONDO:0012464, OMIM 610283.

Allele frequency attached by ClinVar (database versions not stated): gnomAD exomes below 0.00001 and 0.00001; TOPMed 0.00002; gnomAD 0.00001.
gnomAD v4.1: 7 of 1,614,044 alleles (0.00043%); highest among the groups gnomAD compares: East Asian, 0.0089%; no homozygotes.

Submissions (4):

Ambry Genetics
Classification: Uncertain significance. Last evaluated: 2024-05-07. Review status: criteria provided, single submitter. Criteria: Ambry Variant Classification Scheme 2023. Collection method: clinical testing. Allele origin: germline.

Labcorp Genetics (formerly Invitae), Labcorp
Classification: Uncertain significance. Last evaluated: 2023-08-10. Review status: criteria provided, single submitter. Criteria: Invitae Variant Classification Sherloc (09022015). Collection method: clinical testing. Allele origin: germline.
Comment: This variant is present in population databases (rs768826705, gnomAD 0.01%). This sequence change replaces threonine, which is neutral and polar, with isoleucine, which is neutral and non-polar, at codon 365 of the SEMA4A protein (p.Thr365Ile). This variant has not been reported in the literature in individuals affected with SEMA4A-related conditions. In summary, the available evidence is currently insufficient to determine the role of this variant in disease. Therefore, it has been classified as a Variant of Uncertain Significance. Advanced modeling of protein sequence and biophysical properties (such as structural, functional, and spatial information, amino acid conservation, physicochemical variation, residue mobility, and thermodynamic stability) performed at Invitae indicates that this missense variant is not expected to disrupt SEMA4A protein function. ClinVar contains an entry for this variant (Variation ID: 292850).

Genome-Nilou Lab
Classification: Uncertain significance for Cone-rod dystrophy 10. Last evaluated: 2023-04-11. Review status: criteria provided, single submitter. Criteria: ACMG Guidelines, 2015. Collection method: clinical testing. Allele origin: germline. Affected: no.

Genome-Nilou Lab
Classification: Uncertain significance for Retinitis pigmentosa 35. Last evaluated: 2023-04-11. Review status: criteria provided, single submitter. Criteria: ACMG Guidelines, 2015. Collection method: clinical testing. Allele origin: germline. Affected: no.